The following is an entry in ClinVar:

NM_006721.4(ADK):c.462T>C (p.Asn154=)

Gene: ADK (adenosine kinase; plus strand). Cytogenetic location: 10q22.2.
Variant type: single nucleotide variant.
Coding change: c.462T>C on transcript NM_006721.4 (MANE Select); coding-DNA position 462, T replaced by C.
Protein change: p.Asn154=; no amino-acid change (asparagine 154 retained).
Molecular consequence: synonymous variant.
Genome position (GRCh38, 1-based): chr10:74,398,486, T>C. VCF-style: chr10-74398486-T-C. GRCh37 (hg19) VCF-style: chr10-76158244-T-C.
Other names: c.411T>C, p.Asn137= (NM_001123.4, NM_001369124.1); c.357T>C, p.Asn119= (NM_001202449.2); c.462T>C, p.Asn154= (NM_001202450.2, NM_001369123.1).
Identifiers: ClinVar variation 3353153 (VCV003353153.1).

ClinVar aggregate classification (germline): Likely benign (0 of 4 stars; one submission).

Conditions:
ADK-related disorder. Also called: ADK-related condition.

gnomAD v4.1: 6 of 1,611,208 alleles (0.00037%); highest among the groups gnomAD compares: Non-Finnish European, 0.00051%; no homozygotes.

Submission:

PreventionGenetics, part of Exact Sciences
Classification: Likely benign for ADK-related condition. Last evaluated: 2019-03-12. Review status: no assertion criteria provided. Collection method: clinical testing. Allele origin: germline.
Comment: This variant is classified as likely benign based on ACMG/AMP sequence variant interpretation guidelines (Richards et al. 2015 PMID: 25741868, with internal and published modifications).